The following is an entry in ClinVar:

NM_003136.4(SRP54):c.191A>G (p.Glu64Gly)

Gene: SRP54 (signal recognition particle 54; plus strand). Cytogenetic location: 14q13.2.
Variant type: single nucleotide variant.
Coding change: c.191A>G on transcript NM_003136.4 (MANE Select); coding-DNA position 191, A replaced by G.
Protein change: p.Glu64Gly; replaces glutamic acid 64 with glycine.
Molecular consequence: missense variant.
Genome position (GRCh38, 1-based): chr14:35,000,956, A>G. VCF-style: chr14-35000956-A-G. GRCh37 (hg19) VCF-style: chr14-35470162-A-G.
Other names: c.44A>G, p.Glu15Gly (NM_001146282.2); c.191A>G, p.Glu64Gly (NM_001411017.1, NM_001440813.1); short protein forms E15G, E64G.
Identifiers: ClinVar variation 4804719 (VCV004804719.1).
Genomic context (GRCh38, chr14:35,000,956, plus strand): 5'-TTTCTCCTCCCCACCCCAATCACCAACCACCATCATAAAGGTCTGCTATTGATCTTGAAG[A>G]GATGGCATCTGGTCTTAACAAAAGAAAAATGATTCAGCATGCTGTATTTAAAGAACTTGT-3'
Protein context (NP_003127.1, residues 54-74): ENVKSAIDLE[Glu64Gly]MASGLNKRKM

ClinVar aggregate classification (germline): Uncertain significance (1 of 4 stars; one submission).

gnomAD v4.1: 1 of 1,592,908 alleles (0.000063%); highest among the groups gnomAD compares: Non-Finnish European, 0.000085%; no homozygotes.

Submission:

Labcorp Genetics (formerly Invitae), Labcorp
Classification: Uncertain significance. Last evaluated: 2025-12-08. Review status: criteria provided, single submitter. Criteria: Invitae Variant Classification Sherloc (09022015). Collection method: clinical testing. Allele origin: germline.
Comment: This sequence change replaces glutamic acid, which is acidic and polar, with glycine, which is neutral and non-polar, at codon 64 of the SRP54 protein (p.Glu64Gly). This variant is not present in population databases (gnomAD no frequency). This variant has not been reported in the literature in individuals affected with SRP54-related conditions. Invitae Evidence Modeling of protein sequence and biophysical properties (such as structural, functional, and spatial information, amino acid conservation, physicochemical variation, residue mobility, and thermodynamic stability) indicates that this missense variant is not expected to disrupt SRP54 protein function with a negative predictive value of 80%. Algorithms developed to predict the effect of sequence changes on RNA splicing suggest that this variant may disrupt the consensus splice site. In summary, the available evidence is currently insufficient to determine the role of this variant in disease. Therefore, it has been classified as a Variant of Uncertain Significance.